The following is an entry in ClinVar:

NM_000038.6(APC):c.2997A>G (p.Gln999=)

Gene: APC (APC regulator of Wnt signaling pathway; plus strand). Cytogenetic location: 5q22.2.
Variant type: single nucleotide variant.
Coding change: c.2997A>G on transcript NM_000038.6 (MANE Select); coding-DNA position 2997, A replaced by G.
Protein change: p.Gln999=; no amino-acid change (glutamine 999 retained).
Molecular consequence: synonymous variant.
Genome position (GRCh38, 1-based): chr5:112,838,591, A>G. VCF-style: chr5-112838591-A-G. GRCh37 (hg19) VCF-style: chr5-112174288-A-G.
Other names: c.2997A>G, p.Gln999= (NM_001127510.3, NM_001354895.2); c.2943A>G, p.Gln981= (NM_001127511.3); c.3051A>G, p.Gln1017= (NM_001354896.2); c.3027A>G, p.Gln1009= (NM_001354897.2); c.2922A>G, p.Gln974= (NM_001354898.2); c.2913A>G, p.Gln971= (NM_001354899.2); c.2874A>G, p.Gln958= (NM_001354900.2); c.2820A>G, p.Gln940= (NM_001354901.2); and 5 more.
Identifiers: ClinVar variation 490255 (VCV000490255.13), dbSNP rs1554084635, ClinGen allele CA445963119.

ClinVar aggregate classification (germline): Benign/Likely benign. Review status: criteria provided, multiple submitters, no conflicts (2 of 4 stars). 5 submissions from 5 submitters: Benign (1); Likely benign (4). Last evaluated 2025-12-29.

Conditions:
Familial adenomatous polyposis 1 (FAP1). Also called: POLYPOSIS, ADENOMATOUS INTESTINAL; FAMILIAL ADENOMATOUS POLYPOSIS 1, ATTENUATED. Identifiers: MedGen C2713442, MONDO:0021056, OMIM 175100. Disease mechanism: loss of function.
Hereditary cancer-predisposing syndrome. Also called: Hereditary Cancer Syndrome; Neoplastic Syndromes, Hereditary; Tumor predisposition; Hereditary neoplastic syndrome. Identifiers: Orphanet 140162, MedGen C0027672, MeSH D009386, MONDO:0015356.

Submissions (5):

Center for Genomic Medicine, Rigshospitalet, Copenhagen University Hospital
Classification: Likely benign. Last evaluated: 2025-12-29. Review status: criteria provided, single submitter. Criteria: ACMG Guidelines, 2015. Collection method: clinical testing. Allele origin: germline.
Comment: Classification criteria: BP4, BP7

Labcorp Genetics (formerly Invitae), Labcorp
Classification: Likely benign for Familial adenomatous polyposis 1. Last evaluated: 2025-07-31. Review status: criteria provided, single submitter. Criteria: Invitae Variant Classification Sherloc (09022015). Collection method: clinical testing. Allele origin: germline.

Myriad Genetics, Inc.
Classification: Benign for Familial adenomatous polyposis 1. Last evaluated: 2024-03-15. Review status: criteria provided, single submitter. Criteria: Myriad Autosomal Dominant, Autosomal Recessive and X-Linked Classification Criteria (2023). Collection method: clinical testing. Allele origin: unknown.
Comment: This variant is considered benign. This variant is a silent/synonymous amino acid change and it is not expected to impact splicing.

Ambry Genetics
Classification: Likely benign for Hereditary cancer-predisposing syndrome. Last evaluated: 2018-06-11. Review status: criteria provided, single submitter. Criteria: Ambry Variant Classification Scheme 2023. Collection method: clinical testing. Allele origin: germline.

Color Diagnostics, LLC DBA Color Health
Classification: Likely benign for Hereditary cancer-predisposing syndrome. Last evaluated: 2017-03-28. Review status: criteria provided, single submitter. Criteria: ACMG Guidelines, 2015. Collection method: clinical testing. Allele origin: germline.